The following is an entry in ClinVar:

ClinVar aggregate classification (germline): Uncertain significance (1 of 4 stars; one submission).

Conditions:
POLD1-related polyposis and colorectal cancer syndrome (CRCS10). Also called: Colorectal cancer 10; COLORECTAL CANCER, SUSCEPTIBILITY TO, ON CHROMOSOME 19q; Colorectal cancer, susceptibility to, 10. Identifiers: Orphanet 220460, MedGen C2675481, MONDO:0012953, OMIM 612591.

Allele frequency attached by ClinVar (database versions not stated): gnomAD exomes below 0.00001.
gnomAD v4.1: 3 of 1,613,206 alleles (0.00019%); highest among the groups gnomAD compares: Non-Finnish European, 0.00025%; no homozygotes.

Submission:

Labcorp Genetics (formerly Invitae), Labcorp
Classification: Uncertain significance for POLD1-related polyposis and colorectal cancer syndrome. Last evaluated: 2024-02-08. Review status: criteria provided, single submitter. Criteria: Invitae Variant Classification Sherloc (09022015). Collection method: clinical testing. Allele origin: germline.
Comment: This sequence change replaces arginine, which is basic and polar, with serine, which is neutral and polar, at codon 639 of the POLD1 protein (p.Arg639Ser). This variant is not present in population databases (gnomAD no frequency). This variant has not been reported in the literature in individuals affected with POLD1-related conditions. ClinVar contains an entry for this variant (Variation ID: 537036). Advanced modeling of protein sequence and biophysical properties (such as structural, functional, and spatial information, amino acid conservation, physicochemical variation, residue mobility, and thermodynamic stability) performed at Invitae indicates that this missense variant is not expected to disrupt POLD1 protein function with a negative predictive value of 80%. In summary, the available evidence is currently insufficient to determine the role of this variant in disease. Therefore, it has been classified as a Variant of Uncertain Significance.

NM_002691.4(POLD1):c.1917G>T (p.Arg639Ser)

Gene: POLD1 (DNA polymerase delta 1, catalytic subunit; plus strand). Cytogenetic location: 19q13.33.
Variant type: single nucleotide variant.
Coding change: c.1917G>T on transcript NM_002691.4 (MANE Select); coding-DNA position 1917, G replaced by T.
Protein change: p.Arg639Ser; replaces arginine 639 with serine.
Molecular consequence: missense variant. On other transcripts: non-coding transcript variant (1).
Genome position (GRCh38, 1-based): chr19:50,409,146, G>T. VCF-style: chr19-50409146-G-T. GRCh37 (hg19) VCF-style: chr19-50912403-G-T.
Other names: c.1917G>T, p.Arg639Ser (NM_001256849.1); c.1995G>T, p.Arg665Ser (NM_001308632.1); short protein forms R639S, R665S.
Identifiers: ClinVar variation 537036 (VCV000537036.11), dbSNP rs1334171687, ClinGen allele CA406982240.